The following is an entry in ClinVar:

ClinVar aggregate classification (germline): Conflicting classifications of pathogenicity. Review status: criteria provided, conflicting classifications (1 of 4 stars). 3 submissions from 3 submitters: Uncertain significance (2); Likely benign (1). Last evaluated 2024-05-03.

Conditions:
Congenital muscular dystrophy due to integrin alpha-7 deficiency. Also called: Congenital muscular dystrophy with integrin alpha-7 deficiency; Muscular dystrophy, congenital, due to ITGA7 deficiency; MYOPATHY, CONGENITAL, DUE TO INTEGRIN ALPHA-7 DEFICIENCY. Identifiers: Orphanet 34520, MedGen C2750786, MONDO:0013177, OMIM 613204.

Allele frequency attached by ClinVar (database versions not stated): ExAC 0.00002; gnomAD exomes 0.00003; TOPMed 0.00003.
gnomAD v4.1: 23 of 1,608,936 alleles (0.0014%); highest among the groups gnomAD compares: South Asian, 0.0033%; no homozygotes.

Submissions (3):

Blueprint Genetics
Classification: Likely benign. Last evaluated: 2024-05-03. Review status: criteria provided, single submitter. Criteria: ACMG Guidelines, 2015. Collection method: clinical testing. Allele origin: germline.

Revvity Omics, Revvity
Classification: Uncertain significance for Congenital muscular dystrophy due to integrin alpha-7 deficiency. Last evaluated: 2023-12-18. Review status: criteria provided, single submitter. Criteria: ACMG Guidelines, 2015. Collection method: clinical testing. Allele origin: germline.

Labcorp Genetics (formerly Invitae), Labcorp
Classification: Uncertain significance for Congenital muscular dystrophy due to integrin alpha-7 deficiency. Last evaluated: 2022-06-27. Review status: criteria provided, single submitter. Criteria: Invitae Variant Classification Sherloc (09022015). Collection method: clinical testing. Allele origin: germline.
Comment: This sequence change falls in intron 13 of the ITGA7 gene. It does not directly change the encoded amino acid sequence of the ITGA7 protein. It affects a nucleotide within the consensus splice site. This variant is present in population databases (rs759601500, gnomAD 0.006%). This variant has not been reported in the literature in individuals affected with ITGA7-related conditions. ClinVar contains an entry for this variant (Variation ID: 934349). Variants that disrupt the consensus splice site are a relatively common cause of aberrant splicing (PMID: 17576681, 9536098). Algorithms developed to predict the effect of sequence changes on RNA splicing suggest that this variant is not likely to affect RNA splicing. In summary, the available evidence is currently insufficient to determine the role of this variant in disease. Therefore, it has been classified as a Variant of Uncertain Significance.

Literature cited by the submitters: PubMed 17576681 (cited by Labcorp Genetics (formerly Invitae), Labcorp); PubMed 9536098 (cited by Labcorp Genetics (formerly Invitae), Labcorp).

NM_002206.3(ITGA7):c.1888-3C>T

Gene: ITGA7 (integrin subunit alpha 7; minus strand). Cytogenetic location: 12q13.2.
Variant type: single nucleotide variant.
Coding change: c.1888-3C>T on transcript NM_002206.3 (MANE Select); 3 bases into the intron before coding-DNA position 1888, C replaced by T.
Molecular consequence: intron variant.
Genome position (GRCh38, 1-based): chr12:55,695,640, G>A on the plus strand (C>T on the coding strand, the complement: ITGA7 is on the minus strand). VCF-style: chr12-55695640-G-A. GRCh37 (hg19) VCF-style: chr12-56089424-G-A.
Other names: c.1609-3C>T (NM_001144997.2); c.1561-3C>T (NM_001367993.1); c.1549-3C>T (NM_001414035.1); c.1705-3C>T (NM_001414033.1); c.544-3C>T (NM_001367994.1); c.1768-3C>T (NM_001414032.1); c.1801-3C>T (NM_001414031.1); c.1870-3C>T (NM_001374465.1); and 5 more.
Identifiers: ClinVar variation 934349 (VCV000934349.9), dbSNP rs759601500, ClinGen allele CA6615794.